The following is an entry in ClinVar:

ClinVar aggregate classification (germline): Uncertain significance. Review status: criteria provided, multiple submitters, no conflicts (2 of 4 stars). 2 submissions from 2 submitters: Uncertain significance (2). Last evaluated 2025-12-03.

Conditions:
Hereditary cancer-predisposing syndrome. Also called: Tumor predisposition; Hereditary Cancer Syndrome; Hereditary neoplastic syndrome; Neoplastic Syndromes, Hereditary. Identifiers: Orphanet 140162, MedGen C0027672, MeSH D009386, MONDO:0015356.
Ataxia-telangiectasia syndrome (AT). Also called: LOUIS-BAR SYNDROME; Cerebello-oculocutaneous telangiectasia; Immunodeficiency with ataxia telangiectasia; ATAXIA-TELANGIECTASIA, COMPLEMENTATION GROUP A; ATAXIA-TELANGIECTASIA, FRESNO VARIANT; Ataxia-telangiectasia. Identifiers: Orphanet 100, MedGen C0004135, MONDO:0008840, OMIM 208900.

Allele frequency attached by ClinVar (database versions not stated): gnomAD exomes below 0.00001.
gnomAD v4.1: 1 of 1,614,090 alleles (0.000062%); highest among the groups gnomAD compares: Admixed American, 0.0017%; no homozygotes.

Submissions (2):

Labcorp Genetics (formerly Invitae), Labcorp
Classification: Uncertain significance for Ataxia-telangiectasia syndrome. Last evaluated: 2025-12-03. Review status: criteria provided, single submitter. Criteria: Invitae Variant Classification Sherloc (09022015). Collection method: clinical testing. Allele origin: germline.
Comment: This sequence change replaces aspartic acid, which is acidic and polar, with histidine, which is basic and polar, at codon 922 of the ATM protein (p.Asp922His). This variant is not present in population databases (gnomAD no frequency). This variant has not been reported in the literature in individuals affected with ATM-related conditions. ClinVar contains an entry for this variant (Variation ID: 184759). Invitae Evidence Modeling of protein sequence and biophysical properties (such as structural, functional, and spatial information, amino acid conservation, physicochemical variation, residue mobility, and thermodynamic stability) has been performed for this missense variant. However, the output from this modeling did not meet the statistical confidence thresholds required to predict the impact of this variant on ATM protein function. In summary, the available evidence is currently insufficient to determine the role of this variant in disease. Therefore, it has been classified as a Variant of Uncertain Significance.

Ambry Genetics
Classification: Uncertain significance for Hereditary cancer-predisposing syndrome. Last evaluated: 2024-12-19. Review status: criteria provided, single submitter. Criteria: Ambry Variant Classification Scheme 2023. Collection method: clinical testing. Allele origin: germline.
Comment: The p.D922H variant (also known as c.2764G>C), located in coding exon 17 of the ATM gene, results from a G to C substitution at nucleotide position 2764. The aspartic acid at codon 922 is replaced by histidine, an amino acid with similar properties. This amino acid position is highly conserved in available vertebrate species. In addition, this alteration is predicted to be deleterious by in silico analysis. Based on the available evidence, the clinical significance of this variant remains unclear.

NM_000051.4(ATM):c.2764G>C (p.Asp922His)

Gene: ATM (ATM serine/threonine kinase; plus strand). Cytogenetic location: 11q22.3.
Variant type: single nucleotide variant.
Coding change: c.2764G>C on transcript NM_000051.4 (MANE Select); coding-DNA position 2764, G replaced by C.
Protein change: p.Asp922His; replaces aspartic acid 922 with histidine.
Molecular consequence: missense variant.
Genome position (GRCh38, 1-based): chr11:108,268,535, G>C. VCF-style: chr11-108268535-G-C. GRCh37 (hg19) VCF-style: chr11-108139262-G-C.
Other names: c.2764G>C, p.Asp922His (NM_001351834.2); short protein forms D922H.
Identifiers: ClinVar variation 184759 (VCV000184759.13), dbSNP rs786201670, ClinGen allele CA189966.